The following is an entry in ClinVar:

NM_005263.5(GFI1):c.1084C>A (p.His362Asn)

Gene: GFI1 (growth factor independent 1 transcriptional repressor; minus strand). Cytogenetic location: 1p22.1.
Variant type: single nucleotide variant.
Coding change: c.1084C>A on transcript NM_005263.5 (MANE Select); coding-DNA position 1084, C replaced by A.
Protein change: p.His362Asn; replaces histidine 362 with asparagine.
Molecular consequence: missense variant.
Genome position (GRCh38, 1-based): chr1:92,478,594, G>T on the plus strand (C>A on the coding strand, the complement: GFI1 is on the minus strand). VCF-style: chr1-92478594-G-T. GRCh37 (hg19) VCF-style: chr1-92944151-G-T.
Other names: c.1084C>A, p.His362Asn (NM_001127216.3, NM_001127215.3); short protein forms H362N.
Identifiers: ClinVar variation 4858044 (VCV004858044.1).

ClinVar aggregate classification (germline): Uncertain significance (1 of 4 stars; one submission).

Submission:

Ambry Genetics
Classification: Uncertain significance. Last evaluated: 2026-04-22. Review status: criteria provided, single submitter. Criteria: Ambry Variant Classification Scheme 2023. Collection method: clinical testing. Allele origin: germline.
Comment: The p.H362N variant (also known as c.1084C>A), located in coding exon 5 of the GFI1 gene, results from a C to A substitution at nucleotide position 1084. The histidine at codon 362 is replaced by asparagine, an amino acid with similar properties. This amino acid position is conserved. In addition, the in silico prediction for this alteration is inconclusive. Based on the available evidence, the clinical significance of this variant remains unclear.